The following is an entry in ClinVar:

NM_003482.4(KMT2D):c.1080C>T (p.Ser360=)

Gene: KMT2D (lysine methyltransferase 2D; minus strand). Cytogenetic location: 12q13.12.
Variant type: single nucleotide variant.
Coding change: c.1080C>T on transcript NM_003482.4 (MANE Select); coding-DNA position 1080, C replaced by T.
Protein change: p.Ser360=; no amino-acid change (serine 360 retained).
Molecular consequence: synonymous variant.
Genome position (GRCh38, 1-based): chr12:49,052,947, G>A on the plus strand (C>T on the coding strand, the complement: KMT2D is on the minus strand). VCF-style: chr12-49052947-G-A. GRCh37 (hg19) VCF-style: chr12-49446730-G-A.
Identifiers: ClinVar variation 1205367 (VCV001205367.15), dbSNP rs369427465, ClinGen allele CA6548583.
Genomic context (GRCh38, chr12:49,052,947, plus strand): 5'-CCAATCTCAGTCAGTCCCCACCACTTACCTGCTACACACCGGGGTATGCTGCTCAGCAAC[G>A]GAGCGGATAGTCTGACCTCCCTGGGCTTTGTGACAGCGGTGACAGAGAGAGTAGTTCTCA-3'
Protein context (NP_003473.3, residues 350-370): HKAQGGQTIR[Ser360=]VAEQHTPVCS

ClinVar aggregate classification (germline): Likely benign. Review status: criteria provided, multiple submitters, no conflicts (2 of 4 stars). 5 submissions from 5 submitters: Likely benign (5). Last evaluated 2026-04-01.

Conditions:
KMT2D-related disorder. Also called: KMT2D-Related Disorders.
Kabuki syndrome. Also called: NIIKAWA-KUROKI SYNDROME; Kabuki make-up syndrome. Identifiers: Orphanet 2322, MedGen C0796004, MONDO:0016512.

Allele frequency attached by ClinVar (database versions not stated): ExAC 0.00007; gnomAD exomes 0.00008 and 0.00018; TOPMed 0.00019; gnomAD 0.00021; ESP Exome Variant Server 0.00024.
gnomAD v4.1: 290 of 1,613,876 alleles (0.018%); highest among the groups gnomAD compares: African/African-American, 0.036%; 1 homozygote.

Submissions (5):

CeGaT Center for Human Genetics Tuebingen
Classification: Likely benign. Last evaluated: 2026-04-01. Review status: criteria provided, single submitter. Criteria: CeGaT Center For Human Genetics Tuebingen Variant Classification Criteria Version 2. Collection method: clinical testing. Allele origin: germline. Affected: yes. Observed: 1 variant allele.
Comment: KMT2D: BP4, BP7

Labcorp Genetics (formerly Invitae), Labcorp
Classification: Likely benign for Kabuki syndrome. Last evaluated: 2026-01-12. Review status: criteria provided, single submitter. Criteria: Invitae Variant Classification Sherloc (09022015). Collection method: clinical testing. Allele origin: germline.

PreventionGenetics, part of Exact Sciences
Classification: Likely benign for KMT2D-related condition. Last evaluated: 2025-08-22. Review status: criteria provided, single submitter. Criteria: ACMG Guidelines, 2015. Collection method: clinical testing. Allele origin: germline.
Comment: This variant is classified as likely benign based on ACMG/AMP sequence variant interpretation guidelines (Richards et al. 2015 PMID: 25741868, with internal and published modifications).

Blueprint Genetics
Classification: Likely benign. Last evaluated: 2024-11-25. Review status: criteria provided, single submitter. Criteria: ACMG Guidelines, 2015. Collection method: clinical testing. Allele origin: germline.

GeneDx
Classification: Likely benign. Last evaluated: 2020-03-04. Review status: criteria provided, single submitter. Criteria: GeneDx Variant Classification Process June 2021. Collection method: clinical testing. Allele origin: germline. Affected: yes.